The following is an entry in ClinVar:

ClinVar aggregate classification (germline): Uncertain significance (1 of 4 stars; one submission).

Conditions:
Cystic fibrosis (CF). Also called: MUCOVISCIDOSIS. Identifiers: Orphanet 586, MedGen C0010674, MONDO:0009061, OMIM 219700. Disease mechanism: loss of function.

gnomAD v4.1: 1 of 152,106 alleles (0.00066%); highest among the groups gnomAD compares: Non-Finnish European, 0.0015%; no homozygotes.

Submission:

Johns Hopkins Genomics, Johns Hopkins University
Classification: Uncertain significance for Cystic fibrosis. Last evaluated: 2024-10-15. Review status: criteria provided, single submitter. Criteria: ACMG Guidelines, 2015. Collection method: clinical testing. Allele origin: germline.
Comment: This intronic CFTR variant (rs1398030463) is rare (<0.1%) in a large population dataset (gnomADv4.1.0: 1/152106 total alleles; 0.0007%; no homozygotes) and has not been reported in ClinVar nor the literature, to our knowledge. Bioinformatic analysis predicts that this variant may create a cryptic splice donor site and lead to missplicing of CFTR, although this has not been confirmed experimentally to our knowledge. We consider the clinical significance of CFTR c.1117-613C>T to be uncertain at this time.

NM_000492.4(CFTR):c.1117-613C>T

Gene: CFTR (CF transmembrane conductance regulator; plus strand). Cytogenetic location: 7q31.2.
Variant type: single nucleotide variant.
Coding change: c.1117-613C>T on transcript NM_000492.4 (MANE Select); 613 bases into the intron before coding-DNA position 1117, C replaced by T.
Molecular consequence: intron variant.
Genome position (GRCh38, 1-based): chr7:117,541,403, C>T. VCF-style: chr7-117541403-C-T. GRCh37 (hg19) VCF-style: chr7-117181457-C-T.
Identifiers: ClinVar variation 4280098 (VCV004280098.1).
Genomic context (GRCh38, chr7:117,541,403, plus strand): 5'-GGGAGAAAATGAGAGAAACCAAAAGAGAGGTAGAGAGGAGCAGAGAAGAAAATGAAGAAG[C>T]AAGGCAAGGACCAGGCTTTTTCATTATTTCTTATGGCCAAGACTTCAGTATGCGTGGACT-3'